The following is an entry in ClinVar:

NM_153460.4(IL17RC):c.105+31A>G

Gene: IL17RC (interleukin 17 receptor C; plus strand). Cytogenetic location: 3p25.3.
Variant type: single nucleotide variant.
Coding change: c.105+31A>G on transcript NM_153460.4 (MANE Select); 31 bases into the intron after coding-DNA position 105, A replaced by G.
Molecular consequence: intron variant. On other transcripts: missense variant (1).
Genome position (GRCh38, 1-based): chr3:9,917,451, A>G. VCF-style: chr3-9917451-A-G. GRCh37 (hg19) VCF-style: chr3-9959135-A-G.
Other names: c.136A>G, p.Arg46Gly (NM_153461.4); c.105+31A>G (NM_001203263.2, NM_001203264.2, NM_001367278.1 and 5 more transcripts); short protein forms R46G.
Identifiers: ClinVar variation 3628512 (VCV003628512.2).

ClinVar aggregate classification (germline): Uncertain significance (1 of 4 stars; one submission).

Conditions:
Candidiasis, familial, 9 (CANDF9). Identifiers: Orphanet 1334, MedGen C4225324, MONDO:0014642, OMIM 616445.

gnomAD v4.1: 3 of 1,614,192 alleles (0.00019%); highest among the groups gnomAD compares: Admixed American, 0.0033%; no homozygotes.

Submission:

Labcorp Genetics (formerly Invitae), Labcorp
Classification: Uncertain significance for Candidiasis, familial, 9. Last evaluated: 2024-04-06. Review status: criteria provided, single submitter. Criteria: Invitae Variant Classification Sherloc (09022015). Collection method: clinical testing. Allele origin: germline.
Comment: This sequence change replaces arginine, which is basic and polar, with glycine, which is neutral and non-polar, at codon 46 of the IL17RC protein (p.Arg46Gly). This variant is present in population databases (no rsID available, gnomAD 0.006%). This variant has not been reported in the literature in individuals affected with IL17RC-related conditions. Algorithms developed to predict the effect of missense changes on protein structure and function output the following: SIFT: "Not Available"; PolyPhen-2: "Benign"; Align-GVGD: "Not Available". The glycine amino acid residue is found in multiple mammalian species, which suggests that this missense change does not adversely affect protein function. In summary, the available evidence is currently insufficient to determine the role of this variant in disease. Therefore, it has been classified as a Variant of Uncertain Significance.